The following is an entry in ClinVar:

ClinVar aggregate classification (germline): Uncertain significance (1 of 4 stars; one submission).

Conditions:
Myofibrillar myopathy 3 (MFM3). Also called: Muscular dystrophy, proximal, type 1A; Autosomal dominant spheroid body myopathy. Identifiers: Orphanet 266, Orphanet 268129, MedGen C3714934, MONDO:0012215, OMIM 609200.

Allele frequency attached by ClinVar (database versions not stated): gnomAD exomes 0.00001 and 0.00002; ExAC 0.00002.
gnomAD v4.1: 10 of 1,614,028 alleles (0.00062%); highest among the groups gnomAD compares: South Asian, 0.0099%; no homozygotes.

Submission:

Labcorp Genetics (formerly Invitae), Labcorp
Classification: Uncertain significance for Myofibrillar myopathy 3. Last evaluated: 2021-03-14. Review status: criteria provided, single submitter. Criteria: Invitae Variant Classification Sherloc (09022015). Collection method: clinical testing. Allele origin: germline.
Comment: This sequence change replaces leucine with serine at codon 464 of the MYOT protein (p.Leu464Ser). The leucine residue is moderately conserved and there is a large physicochemical difference between leucine and serine. In summary, the available evidence is currently insufficient to determine the role of this variant in disease. Therefore, it has been classified as a Variant of Uncertain Significance. Algorithms developed to predict the effect of missense changes on protein structure and function (SIFT, PolyPhen-2, Align-GVGD) all suggest that this variant is likely to be tolerated, but these predictions have not been confirmed by published functional studies and their clinical significance is uncertain. This variant has not been reported in the literature in individuals with MYOT-related conditions. This variant is present in population databases (rs777693396, ExAC 0.01%).

NM_006790.3(MYOT):c.1391T>C (p.Leu464Ser)

Genes: MYOT (myotilin; plus strand), PKD2L2-DT (PKD2L2 divergent transcript; minus strand). Cytogenetic location: 5q31.2.
Variant type: single nucleotide variant.
Coding change: c.1391T>C on transcript NM_006790.3 (MANE Select); coding-DNA position 1391, T replaced by C.
Protein change: p.Leu464Ser; replaces leucine 464 with serine.
Molecular consequence: missense variant.
Genome position (GRCh38, 1-based): chr5:137,887,279, T>C. VCF-style: chr5-137887279-T-C. GRCh37 (hg19) VCF-style: chr5-137222968-T-C.
Other names: c.839T>C, p.Leu280Ser (NM_001135940.2); c.1046T>C, p.Leu349Ser (NM_001300911.2); short protein forms L349S, L280S, L464S.
Identifiers: ClinVar variation 1405159 (VCV001405159.8), dbSNP rs777693396, ClinGen allele CA3423190.